The following is an entry in ClinVar:

ClinVar aggregate classification (germline): Uncertain significance. Review status: criteria provided, multiple submitters, no conflicts (2 of 4 stars). 3 submissions from 3 submitters: Uncertain significance (3). Last evaluated 2026-02-11.

Conditions:
Cardiovascular phenotype. Identifiers: MedGen CN230736.

Allele frequency attached by ClinVar (database versions not stated): gnomAD exomes below 0.00001; ExAC 0.00001; gnomAD 0.00001.
gnomAD v4.1: 3 of 1,613,472 alleles (0.00019%); highest among the groups gnomAD compares: Admixed American, 0.0017%; no homozygotes.

Submissions (3):

GeneDx
Classification: Uncertain significance. Last evaluated: 2026-02-11. Review status: criteria provided, single submitter. Criteria: GeneDx Variant Classification Process June 2021. Collection method: clinical testing. Allele origin: germline.
Comment: Not observed at significant frequency in large population cohorts (gnomAD); Missense variant in a gene in which most reported pathogenic variants are truncating/loss of function; Has not been previously published as pathogenic or benign to our knowledge

Revvity Omics, Revvity
Classification: Uncertain significance. Last evaluated: 2019-10-09. Review status: criteria provided, single submitter. Criteria: ACMG Guidelines, 2015. Collection method: clinical testing. Allele origin: germline.

Ambry Genetics
Classification: Uncertain significance for Cardiovascular phenotype. Last evaluated: 2019-09-19. Review status: criteria provided, single submitter. Criteria: Ambry Autosomal Dominant and X-Linked criteria (3/2017). Collection method: clinical testing. Allele origin: germline. Observed: 1 variant allele.
Comment: The p.T29890M variant (also known as c.89669C>T), located in coding exon 297 of the TTN gene, results from a C to T substitution at nucleotide position 89669. The threonine at codon 29890 is replaced by methionine, an amino acid with similar properties. This amino acid position is well conserved in available vertebrate species; however, methionine is the reference amino acid in other vertebrate species. In addition, this alteration is predicted to be tolerated by in silico analysis. Since supporting evidence is limited at this time, the clinical significance of this alteration remains unclear.

NM_001267550.2(TTN):c.97373C>T (p.Thr32458Met)

Genes: TTN (titin; minus strand), TTN-AS1 (TTN antisense RNA 1; plus strand). Cytogenetic location: 2q31.2.
Variant type: single nucleotide variant.
Coding change: c.97373C>T on transcript NM_001267550.2 (MANE Select); coding-DNA position 97373, C replaced by T.
Protein change: p.Thr32458Met; replaces threonine 32458 with methionine.
Molecular consequence: missense variant.
Genome position (GRCh38, 1-based): chr2:178,542,383, G>A on the plus strand (C>T on the coding strand, the complement: TTN is on the minus strand). VCF-style: chr2-178542383-G-A. GRCh37 (hg19) VCF-style: chr2-179407110-G-A.
Other names: c.97373C>T (NM_001267550.1); c.92450C>T, p.Thr30817Met (NM_001256850.1); c.70178C>T, p.Thr23393Met (NM_003319.4); c.89669C>T, p.Thr29890Met (NM_133378.4); c.70553C>T, p.Thr23518Met (NM_133432.3); c.70754C>T, p.Thr23585Met (NM_133437.4); short protein forms T29890M, T32458M, T23585M, T23518M, T30817M, T23393M.
Identifiers: ClinVar variation 263592 (VCV000263592.7), dbSNP rs749501290, ClinGen allele CA1986569.